The following is an entry in ClinVar:

ClinVar aggregate classification (germline): Uncertain significance (1 of 4 stars; one submission).

Conditions:
Inborn genetic diseases. Identifiers: MedGen C0950123, MeSH D030342.

Submission:

Ambry Genetics
Classification: Uncertain significance for Inborn genetic diseases. Last evaluated: 2025-10-02. Review status: criteria provided, single submitter. Criteria: Ambry Variant Classification Scheme 2023. Collection method: clinical testing. Allele origin: germline.
Comment: The c.1570G>A (p.E524K) alteration is located in exon 13 (coding exon 13) of the SLC12A3 gene. This alteration results from a G to A substitution at nucleotide position 1570, causing the glutamic acid (E) at amino acid position 524 to be replaced by a lysine (K). Based on data from gnomAD, the A allele has an overall frequency of 0.001% (2/251468) total alleles studied. The highest observed frequency was 0.012% (2/16256) of African alleles. Based on insufficient or conflicting evidence, the clinical significance of this alteration remains unclear.

NM_001126108.2(SLC12A3):c.1570G>A (p.Glu524Lys)

Gene: SLC12A3 (solute carrier family 12 member 3; plus strand). Cytogenetic location: 16q13.
Variant type: single nucleotide variant.
Coding change: c.1570G>A on transcript NM_001126108.2 (MANE Select); coding-DNA position 1570, G replaced by A.
Protein change: p.Glu524Lys; replaces glutamic acid 524 with lysine.
Molecular consequence: missense variant.
Genome position (GRCh38, 1-based): chr16:56,882,398, G>A. VCF-style: chr16-56882398-G-A. GRCh37 (hg19) VCF-style: chr16-56916310-G-A.
Other names: c.1570G>A, p.Glu524Lys (NM_000339.3); c.1567G>A, p.Glu523Lys (NM_001126107.2, NM_001410896.1); short protein forms E523K, E524K.
Identifiers: ClinVar variation 4630996 (VCV004630996.1).
Genomic context (GRCh38, chr16:56,882,398, plus strand): 5'-GCCAGTCCTTGGCAGAGTTGCCCAACAGGCTGTCCTCTCTCTCCCTGGGTCCCCGAAGCT[G>A]AGCTCAACACCATAGCCCCCATCATTTCCAACTTCTTCCTCTGCTCCTATGCCCTCATCA-3'
Protein context (NP_001119580.2, residues 514-534): AIAVAFIIIA[Glu524Lys]LNTIAPIISN